The following is an entry in ClinVar:

ClinVar aggregate classification (germline): Benign/Likely benign. Review status: criteria provided, multiple submitters, no conflicts (2 of 4 stars). 3 submissions from 3 submitters: Benign (1); Likely benign (2). Last evaluated 2025-11-20.

Conditions:
Hereditary cancer-predisposing syndrome. Also called: Neoplastic Syndromes, Hereditary; Hereditary Cancer Syndrome; Tumor predisposition; Hereditary neoplastic syndrome. Identifiers: Orphanet 140162, MedGen C0027672, MeSH D009386, MONDO:0015356.
Tuberous sclerosis 1 (TSC1). Identifiers: Orphanet 805, MedGen C1854465, MONDO:0008612, OMIM 191100.

Submissions (3):

Labcorp Genetics (formerly Invitae), Labcorp
Classification: Likely benign for Tuberous sclerosis 1. Last evaluated: 2025-11-20. Review status: criteria provided, single submitter. Criteria: Invitae Variant Classification Sherloc (09022015). Collection method: clinical testing. Allele origin: germline.

Myriad Genetics, Inc.
Classification: Benign for Tuberous sclerosis 1. Last evaluated: 2025-04-28. Review status: criteria provided, single submitter. Criteria: Myriad Autosomal Dominant, Autosomal Recessive and X-Linked Classification Criteria (2023). Collection method: clinical testing. Allele origin: unknown.
Comment: This variant is considered benign. This variant is a silent/synonymous amino acid change and it is not expected to impact splicing.

Ambry Genetics
Classification: Likely benign for Hereditary cancer-predisposing syndrome. Last evaluated: 2025-03-18. Review status: criteria provided, single submitter. Criteria: Ambry Variant Classification Scheme 2023. Collection method: clinical testing. Allele origin: germline.

NM_000368.5(TSC1):c.2565T>A (p.Leu855=)

Gene: TSC1 (TSC complex subunit 1; minus strand). Cytogenetic location: 9q34.13.
Variant type: single nucleotide variant.
Coding change: c.2565T>A on transcript NM_000368.5 (MANE Select); coding-DNA position 2565, T replaced by A.
Protein change: p.Leu855=; no amino-acid change (leucine 855 retained).
Molecular consequence: synonymous variant.
Genome position (GRCh38, 1-based): chr9:132,900,775, A>T on the plus strand (T>A on the coding strand, the complement: TSC1 is on the minus strand). VCF-style: chr9-132900775-A-T. GRCh37 (hg19) VCF-style: chr9-135776162-A-T.
Other names: c.2565T>A (NM_000368.4); c.2562T>A, p.Leu854= (NM_001162426.2); c.2412T>A, p.Leu804= (NM_001162427.2); c.2202T>A, p.Leu734= (NM_001362177.2).
Identifiers: ClinVar variation 1036598 (VCV001036598.10), dbSNP rs1845331038, ClinGen allele CA467594465.